The following is an entry in ClinVar:

NM_000094.4(COL7A1):c.1187G>A (p.Ser396Asn)

Gene: COL7A1 (collagen type VII alpha 1 chain; minus strand). Cytogenetic location: 3p21.31.
Variant type: single nucleotide variant.
Coding change: c.1187G>A on transcript NM_000094.4 (MANE Select); coding-DNA position 1187, G replaced by A.
Protein change: p.Ser396Asn; replaces serine 396 with asparagine.
Molecular consequence: missense variant.
Genome position (GRCh38, 1-based): chr3:48,592,155, C>T on the plus strand (G>A on the coding strand, the complement: COL7A1 is on the minus strand). VCF-style: chr3-48592155-C-T. GRCh37 (hg19) VCF-style: chr3-48629588-C-T.
Other names: short protein forms S396N.
Identifiers: ClinVar variation 1991496 (VCV001991496.4), dbSNP rs2531322405, ClinGen allele CA352737444.
Genomic context (GRCh38, chr3:48,592,155, plus strand): 5'-TTCTCACCAGTGCGAGCCATCAGGGAAGTGGCGGGCCCCACACTGCGGCCAAATAGGGTG[C>T]TCACGGTCACCTCATAGTCCGTGCCAGGCTCCAAGTCACGCAGCAACACTGAACCCTGCC-3'
Protein context (NP_000085.1, residues 386-406): EPGTDYEVTV[Ser396Asn]TLFGRSVGPA

ClinVar aggregate classification (germline): Uncertain significance (1 of 4 stars; one submission).

Allele frequency attached by ClinVar (database versions not stated): gnomAD exomes below 0.00001.
gnomAD v4.1: 1 of 1,614,106 alleles (0.000062%); highest among the groups gnomAD compares: Admixed American, 0.0017%; no homozygotes.

Submission:

Labcorp Genetics (formerly Invitae), Labcorp
Classification: Uncertain significance. Last evaluated: 2022-09-27. Review status: criteria provided, single submitter. Criteria: Invitae Variant Classification Sherloc (09022015). Collection method: clinical testing. Allele origin: germline.
Comment: In summary, the available evidence is currently insufficient to determine the role of this variant in disease. Therefore, it has been classified as a Variant of Uncertain Significance. Advanced modeling of protein sequence and biophysical properties (such as structural, functional, and spatial information, amino acid conservation, physicochemical variation, residue mobility, and thermodynamic stability) performed at Invitae indicates that this missense variant is not expected to disrupt COL7A1 protein function. This variant has not been reported in the literature in individuals affected with COL7A1-related conditions. This variant is not present in population databases (gnomAD no frequency). This sequence change replaces serine, which is neutral and polar, with asparagine, which is neutral and polar, at codon 396 of the COL7A1 protein (p.Ser396Asn).